The following is an entry in ClinVar:

NM_012469.4(PRPF6):c.2730G>C (p.Glu910Asp)

Gene: PRPF6 (pre-mRNA processing factor 6; plus strand). Cytogenetic location: 20q13.33.
Variant type: single nucleotide variant.
Coding change: c.2730G>C on transcript NM_012469.4 (MANE Select); coding-DNA position 2730, G replaced by C.
Protein change: p.Glu910Asp; replaces glutamic acid 910 with aspartic acid.
Molecular consequence: missense variant.
Genome position (GRCh38, 1-based): chr20:64,032,897, G>C. VCF-style: chr20-64032897-G-C. GRCh37 (hg19) VCF-style: chr20-62664250-G-C.
Other names: short protein forms E910D.
Identifiers: ClinVar variation 4765666 (VCV004765666.1).
Genomic context (GRCh38, chr20:64,032,897, plus strand): 5'-CCAGGAGCAGCAGGAGGAGGTGAGGAAGCGCTGTGAGAGTGCAGAGCCTCGGCATGGGGA[G>C]CTGTGGTGCGCCGTGTCCAAGGACATCGCCAACTGGCAGAAGAAGATCGGGGACATCCTT-3'
Protein context (NP_036601.2, residues 900-920): RCESAEPRHG[Glu910Asp]LWCAVSKDIA

ClinVar aggregate classification (germline): Uncertain significance (1 of 4 stars; one submission).

gnomAD v4.1: 2 of 1,613,270 alleles (0.00012%); highest among the groups gnomAD compares: Admixed American, 0.0033%; no homozygotes.

Submission:

Labcorp Genetics (formerly Invitae), Labcorp
Classification: Uncertain significance. Last evaluated: 2025-08-02. Review status: criteria provided, single submitter. Criteria: Invitae Variant Classification Sherloc (09022015). Collection method: clinical testing. Allele origin: germline.
Comment: This sequence change replaces glutamic acid, which is acidic and polar, with aspartic acid, which is acidic and polar, at codon 910 of the PRPF6 protein (p.Glu910Asp). This variant is present in population databases (rs774199266, gnomAD 0.006%). This variant has not been reported in the literature in individuals affected with PRPF6-related conditions. Invitae Evidence Modeling of protein sequence and biophysical properties (such as structural, functional, and spatial information, amino acid conservation, physicochemical variation, residue mobility, and thermodynamic stability) indicates that this missense variant is not expected to disrupt PRPF6 protein function with a negative predictive value of 80%. In summary, the available evidence is currently insufficient to determine the role of this variant in disease. Therefore, it has been classified as a Variant of Uncertain Significance.